The following is an entry in ClinVar:

NC_000012.11:g.(?_6554691)_(6560069_?)dup

Gene: CD27 (CD27 molecule; plus strand). Cytogenetic location: 12p13.31.
Variant type: Duplication.
Identifiers: ClinVar variation 3244333 (VCV003244333.1).

ClinVar aggregate classification (germline): Pathogenic (1 of 4 stars; one submission).

Conditions:
Lymphoproliferative syndrome 2 (LPFS2). Also called: CD27 DEFICIENCY; Combined immunodeficiency due to CD27 deficiency. Identifiers: Orphanet 238505, MedGen C3554540, MONDO:0014054, OMIM 615122.

Submission:

Labcorp Genetics (formerly Invitae), Labcorp
Classification: Pathogenic for Lymphoproliferative syndrome 2. Last evaluated: 2023-11-12. Review status: criteria provided, single submitter. Criteria: Invitae Variant Classification Sherloc (09022015). Collection method: clinical testing. Allele origin: unknown.
Comment: This variant results in a copy number gain of the genomic region encompassing part of exons 2 and 5 and all of exons 3-4 (c.238_547dup) of the CD27 gene. While the exact position of this variant cannot be determined from the data, sub-genic copy number gains are generally in tandem (PMID: 25640679). This variant is predicted to be out-of-frame, and may result in an absent or disrupted protein product. Loss-of-function variants in CD27 are known to be pathogenic (PMID: 25843314). This variant has not been reported in the literature in individuals affected with CD27-related conditions. A similar copy number gain has been confirmed to occur in-tandem in at least one individual (Invitae). This increases the likelihood that that this copy number gain also occurs in tandem and disrupts protein function. For these reasons, this variant has been classified as Pathogenic.

Literature cited by the submitters: PubMed 25640679; PubMed 25843314.